The following is an entry in ClinVar:

NM_001048174.2(MUTYH):c.607-3C>T

Gene: MUTYH (mutY DNA glycosylase; minus strand). Cytogenetic location: 1p34.1.
Variant type: single nucleotide variant.
Coding change: c.607-3C>T on transcript NM_001048174.2 (MANE Select); 3 bases into the intron before coding-DNA position 607, C replaced by T.
Molecular consequence: intron variant.
Genome position (GRCh38, 1-based): chr1:45,332,491, G>A on the plus strand (C>T on the coding strand, the complement: MUTYH is on the minus strand). VCF-style: chr1-45332491-G-A. GRCh37 (hg19) VCF-style: chr1-45798163-G-A.
Other names: c.262-3C>T (NM_001350651.2, NM_001350650.2); c.331-3C>T (NM_001293192.2, NM_001293196.2); c.607-3C>T (NM_001048171.2, NM_001048173.2, NM_001293195.2); c.652-3C>T (NM_001293190.2); c.682-3C>T (NM_012222.3); c.691-3C>T (NM_001128425.2); c.610-3C>T (NM_001048172.2); c.640-3C>T (NM_001293191.2).
Identifiers: ClinVar variation 480013 (VCV000480013.9), dbSNP rs1553128253, ClinGen allele CA658656925.

ClinVar aggregate classification (germline): Conflicting classifications of pathogenicity. Review status: criteria provided, conflicting classifications (1 of 4 stars). 2 submissions from 2 submitters: Uncertain significance (1); Likely benign (1). Last evaluated 2026-02-11.

Conditions:
Hereditary cancer-predisposing syndrome. Also called: Hereditary neoplastic syndrome; Hereditary Cancer Syndrome; Neoplastic Syndromes, Hereditary; Tumor predisposition. Identifiers: Orphanet 140162, MedGen C0027672, MeSH D009386, MONDO:0015356.
Familial adenomatous polyposis 2. Also called: MYH-associated polyposis; COLORECTAL ADENOMATOUS POLYPOSIS, AUTOSOMAL RECESSIVE; ADENOMAS, MULTIPLE COLORECTAL, AUTOSOMAL RECESSIVE; MUTYH-related attenuated familial adenomatous polyposis; Adenomas, multiple colorectal; FAP type 2. Identifiers: Orphanet 220460, Orphanet 247798, MedGen C3272841, MONDO:0012041, OMIM 608456.

Submissions (2):

Ambry Genetics
Classification: Uncertain significance for Hereditary cancer-predisposing syndrome. Last evaluated: 2026-02-11. Review status: criteria provided, single submitter. Criteria: Ambry Variant Classification Scheme 2023. Collection method: clinical testing. Allele origin: germline.
Comment: The c.691-3C>T intronic variant results from a C to T substitution 3 nucleotides upstream from coding exon 9 in the MUTYH gene. This nucleotide position is well conserved in available vertebrate species. In silico splice site analysis predicts that this alteration will not have any significant effect on splicing. Based on the available evidence, the clinical significance of this variant remains unclear.

Labcorp Genetics (formerly Invitae), Labcorp
Classification: Likely benign for Familial adenomatous polyposis 2. Last evaluated: 2023-08-02. Review status: criteria provided, single submitter. Criteria: Invitae Variant Classification Sherloc (09022015). Collection method: clinical testing. Allele origin: germline.